The following is an entry in ClinVar:

ClinVar aggregate classification (germline): Uncertain significance (1 of 4 stars; one submission).

Conditions:
Malignant hyperthermia, susceptibility to, 1 (MHS1). Also called: Anesthesia related hyperthermia; Malignant hyperpyrexia; Fulminating hyperpyrexia; Pharmacogenic myopathy; RYR1-Related Malignant Hyperthermia Susceptibility; Malignant hyperthermia suceptibility 1. Identifiers: Orphanet 423, MedGen C2930980, MONDO:0007783, OMIM 145600.

Allele frequency attached by ClinVar (database versions not stated): TOPMed 0.00001.
gnomAD v4.1: 4 of 1,613,084 alleles (0.00025%); highest among the groups gnomAD compares: South Asian, 0.0022%; no homozygotes.

Submission:

All of Us Research Program, National Institutes of Health
Classification: Uncertain significance for Malignant hyperthermia, susceptibility to, 1. Last evaluated: 2023-12-01. Review status: criteria provided, single submitter. Criteria: ACMG Guidelines, 2015. Collection method: clinical testing. Allele origin: germline. Inheritance: Autosomal dominant inheritance. Observed: 1 variant allele, 1 heterozygote.
Comment: This study involves interpretation of variants in research participants for the purpose of population health screening. Participant phenotype was not available at the time of variant classification. Additional details can be found in publication PMID: 35346344, PMCID: PMC8962531

NM_000540.3(RYR1):c.9442G>A (p.Ala3148Thr)

Gene: RYR1 (ryanodine receptor 1; plus strand). Cytogenetic location: 19q13.2.
Variant type: single nucleotide variant.
Coding change: c.9442G>A on transcript NM_000540.3 (MANE Select); coding-DNA position 9442, G replaced by A.
Protein change: p.Ala3148Thr; replaces alanine 3148 with threonine.
Molecular consequence: missense variant.
Genome position (GRCh38, 1-based): chr19:38,512,453, G>A. VCF-style: chr19-38512453-G-A. GRCh37 (hg19) VCF-style: chr19-39003093-G-A.
Other names: c.9442G>A, p.Ala3148Thr (NM_001042723.2); short protein forms A3148T.
Identifiers: ClinVar variation 3074058 (VCV003074058.1), dbSNP rs1426131771, ClinGen allele CA405687521.